The following is an entry in ClinVar:

NM_022168.4(IFIH1):c.2893G>T (p.Gly965Cys)

Gene: IFIH1 (interferon induced with helicase C domain 1; minus strand). Cytogenetic location: 2q24.2.
Variant type: single nucleotide variant.
Coding change: c.2893G>T on transcript NM_022168.4 (MANE Select); coding-DNA position 2893, G replaced by T.
Protein change: p.Gly965Cys; replaces glycine 965 with cysteine.
Molecular consequence: missense variant.
Genome position (GRCh38, 1-based): chr2:162,267,484, C>A on the plus strand (G>T on the coding strand, the complement: IFIH1 is on the minus strand). VCF-style: chr2-162267484-C-A. GRCh37 (hg19) VCF-style: chr2-163123994-C-A.
Other names: short protein forms G965C.
Identifiers: ClinVar variation 2950165 (VCV002950165.3), dbSNP rs202009944, ClinGen allele CA348989579.

ClinVar aggregate classification (germline): Uncertain significance (1 of 4 stars; one submission).

Conditions:
Aicardi-Goutieres syndrome 7 (AGS7). Identifiers: Orphanet 51, MedGen C3888244, MONDO:0014367, OMIM 615846.
Singleton-Merten syndrome 1 (SGMRT1). Also called: Widened medullary cavities of bone, aortic calcification, abnormal dentition, and muscular weakness; Syndrome of widened medullary cavities of the metacarpals and phalanges, aortic calcification and abnormal dentition. Identifiers: Orphanet 85191, MedGen C4225427, MONDO:0024535, OMIM 182250.

Submission:

Labcorp Genetics (formerly Invitae), Labcorp
Classification: Uncertain significance for Aicardi-Goutieres syndrome 7; Singleton-Merten syndrome 1. Last evaluated: 2023-07-21. Review status: criteria provided, single submitter. Criteria: Invitae Variant Classification Sherloc (09022015). Collection method: clinical testing. Allele origin: germline.
Comment: This variant has not been reported in the literature in individuals affected with IFIH1-related conditions. In summary, the available evidence is currently insufficient to determine the role of this variant in disease. Therefore, it has been classified as a Variant of Uncertain Significance. Advanced modeling of protein sequence and biophysical properties (such as structural, functional, and spatial information, amino acid conservation, physicochemical variation, residue mobility, and thermodynamic stability) has been performed at Invitae for this missense variant, however the output from this modeling did not meet the statistical confidence thresholds required to predict the impact of this variant on IFIH1 protein function. This variant is not present in population databases (gnomAD no frequency). This sequence change replaces glycine, which is neutral and non-polar, with cysteine, which is neutral and slightly polar, at codon 965 of the IFIH1 protein (p.Gly965Cys).